The following is an entry in ClinVar:

ClinVar aggregate classification (germline): Uncertain significance (1 of 4 stars; one submission).

Conditions:
STAT3 gain of function. Identifiers: MedGen C4288261.
Hyper-IgE recurrent infection syndrome 1, autosomal dominant. Also called: JOB SYNDROME; STAT3 Hyper IgE Syndrome; Job's Syndrome; Hyper-IgE recurrent infection syndrome 1; HYPER-IgE SYNDROME 1, AUTOSOMAL DOMINANT, WITH RECURRENT INFECTIONS. Identifiers: Orphanet 2314, MedGen C2936739, MONDO:0007818, OMIM 147060.

Submission:

Labcorp Genetics (formerly Invitae), Labcorp
Classification: Uncertain significance for STAT3 gain of function; Hyper-IgE recurrent infection syndrome 1, autosomal dominant. Last evaluated: 2020-08-18. Review status: criteria provided, single submitter. Criteria: Invitae Variant Classification Sherloc (09022015). Collection method: clinical testing. Allele origin: germline.
Comment: In summary, the available evidence is currently insufficient to determine the role of this variant in disease. Therefore, it has been classified as a Variant of Uncertain Significance. Advanced modeling of protein sequence and biophysical properties (such as structural, functional, and spatial information, amino acid conservation, physicochemical variation, residue mobility, and thermodynamic stability) performed at Invitae indicates that this missense variant is expected to disrupt STAT3 protein function. This variant has not been reported in the literature in individuals with STAT3-related conditions. This sequence change replaces leucine with phenylalanine at codon 362 of the STAT3 protein (p.Leu362Phe). The leucine residue is moderately conserved and there is a small physicochemical difference between leucine and phenylalanine. This variant is not present in population databases (ExAC no frequency).

NM_139276.3(STAT3):c.1084C>T (p.Leu362Phe)

Gene: STAT3 (signal transducer and activator of transcription 3; minus strand). Cytogenetic location: 17q21.2.
Variant type: single nucleotide variant.
Coding change: c.1084C>T on transcript NM_139276.3 (MANE Select); coding-DNA position 1084, C replaced by T.
Protein change: p.Leu362Phe; replaces leucine 362 with phenylalanine.
Molecular consequence: missense variant. On other transcripts: intron variant (1).
Genome position (GRCh38, 1-based): chr17:42,331,497, G>A on the plus strand (C>T on the coding strand, the complement: STAT3 is on the minus strand). VCF-style: chr17-42331497-G-A. GRCh37 (hg19) VCF-style: chr17-40483515-G-A.
Other names: c.1084C>T, p.Leu362Phe (NM_001369512.1, NM_001369513.1, NM_001369514.1 and 14 more transcripts); c.1006C>T, p.Leu336Phe (NM_001384985.1); c.988C>T, p.Leu330Phe (NM_001384989.1); c.1050-1721C>T (NM_001384992.1); short protein forms L330F, L362F, L336F.
Identifiers: ClinVar variation 1041284 (VCV001041284.9), dbSNP rs2082008489, ClinGen allele CA399590002.